The following is an entry in ClinVar:

NM_000044.6(AR):c.2599G>A (p.Val867Met)

Gene: AR (androgen receptor; plus strand). Cytogenetic location: Xq12.
Variant type: single nucleotide variant.
Coding change: c.2599G>A on transcript NM_000044.6 (MANE Select); coding-DNA position 2599, G replaced by A.
Protein change: p.Val867Met; replaces valine 867 with methionine.
Molecular consequence: missense variant.
Genome position (GRCh38, 1-based): chrX:67,722,976, G>A. VCF-style: chrX-67722976-G-A. GRCh37 (hg19) VCF-style: chrX-66942818-G-A.
Other names: c.1003G>A, p.Val335Met (NM_001011645.3); short protein forms V335M, V867M.
Identifiers: ClinVar variation 9806 (VCV000009806.17), dbSNP rs137852564, ClinGen allele CA120683.

ClinVar aggregate classification (germline): Pathogenic. Review status: criteria provided, multiple submitters, no conflicts (2 of 4 stars). 7 submissions from 7 submitters: Pathogenic (5). 2 of the submissions do not count toward it. Last evaluated 2025-05-22.

Conditions:
Androgen resistance syndrome (AIS). Also called: Androgen insensitivity; TESTICULAR FEMINIZATION SYNDROME; DHTR DEFICIENCY; Androgen insensitivity, complete; Androgen insensitivity syndrome; ANDROGEN RECEPTOR DEFICIENCY. Identifiers: Orphanet 754, Orphanet 99429, MedGen C0039585, MONDO:0019154, OMIM 300068. Disease mechanism: loss of function.
Kennedy disease (SMAX1). Also called: SPINAL AND BULBAR MUSCULAR ATROPHY, X-LINKED 1; Spinal and Bulbar Muscular Atrophy; KENNEDY SPINAL AND BULBAR MUSCULAR ATROPHY. Identifiers: Orphanet 481, MedGen C1839259, MONDO:0010735, OMIM 313200.
AR-related disorders.
AR-related disorder. Also called: AR-related condition.
Prostate cancer. Also called: Malignant tumor of prostate. Identifiers: Orphanet 1331, MedGen C0376358, MONDO:0008315, HP:0012125.
Hypospadias 1, X-linked (HYSP1). Identifiers: Orphanet 440, MedGen C2678098, MONDO:0010384, OMIM 300633.
Partial androgen insensitivity syndrome (PAIS). Also called: Reifenstein syndrome, partial; Androgen resistance syndrome, partial; Type I familial incomplete male pseudohermaphroditism; Reifenstein syndrome; ANDROGEN INSENSITIVITY, PARTIAL, WITH OR WITHOUT BREAST CANCER; Partial Androgen Insensitivity Syndrome (PAIS). Identifiers: Orphanet 90797, MedGen C0268301, MONDO:0010720, OMIM 312300.

gnomAD v4.1: 1 of 1,211,527 alleles (0.000083%); no homozygotes.

Submissions (7):

PreventionGenetics, part of Exact Sciences
Classification: Pathogenic for AR-related condition. Last evaluated: 2025-05-22. Review status: criteria provided, single submitter. Criteria: ACMG Guidelines, 2015. Collection method: clinical testing. Allele origin: germline.
Comment: The AR c.2599G>A variant is predicted to result in the amino acid substitution p.Val867Met. This variant, also known as p.Val866Met, has been reported in multiple individuals with androgen insensitivity syndrome (Lubahn et al 1989. PubMed ID: 2594783; Abilash et al. 2016. PubMed ID: 26688387; Li L et al 2017. PubMed ID: 26806084; Suppl. Table 1, Eggers S et al 2016. PubMed ID: 27899157). This variant lies in the ligand-binding domain of the androgen receptor protein. Functional studies show that this variant reduces dihydrotestosterone (DHT)-dependent, AR-induced transcriptional activation (Horing et al. 2016. PubMed ID: 27583472). This variant has not been reported in a large population database, indicating this variant is rare. This variant is interpreted as pathogenic.

Labcorp Genetics (formerly Invitae), Labcorp
Classification: Pathogenic for Kennedy disease; Androgen resistance syndrome. Last evaluated: 2025-03-05. Review status: criteria provided, single submitter. Criteria: Invitae Variant Classification Sherloc (09022015). Collection method: clinical testing. Allele origin: germline.
Comment: This sequence change replaces valine, which is neutral and non-polar, with methionine, which is neutral and non-polar, at codon 867 of the AR protein (p.Val867Met). This variant is not present in population databases (gnomAD no frequency). This missense change has been observed in individual(s) with partial androgen insensitivity syndrome (PMID: 2594783, 26688387, 26806084). It has also been observed to segregate with disease in related individuals. This variant is also known as p.Val866Met. ClinVar contains an entry for this variant (Variation ID: 9806). Invitae Evidence Modeling of protein sequence and biophysical properties (such as structural, functional, and spatial information, amino acid conservation, physicochemical variation, residue mobility, and thermodynamic stability) indicates that this missense variant is not expected to disrupt AR protein function with a negative predictive value of 80%. Experimental studies have shown that this missense change affects AR function (PMID: 27583472). For these reasons, this variant has been classified as Pathogenic.

Blueprint Genetics
Classification: Pathogenic for AR-related disorders. Last evaluated: 2022-09-26. Review status: criteria provided, single submitter. Criteria: ACMG Guidelines, 2015. Collection method: clinical testing. Allele origin: germline. Affected: yes. Observed: 2 variant alleles.

Foundation for Research in Genetics and Endocrinology, FRIGE's Institute of Human Genetics
Classification: Pathogenic for Androgen resistance syndrome. Last evaluated: 2020-02-18. Review status: criteria provided, single submitter. Criteria: ACMG Guidelines, 2015. Collection method: clinical testing. Allele origin: germline. Inheritance: X-linked recessive inheritance. Affected: yes. Observed: 1 homozygote.
Comment: A homozygous missense variation in exon 7 of the AR gene that results in amino acid substitution of methionine for valine at codon 867 was detected. The observed variant c.2599G>A has not been reported in the 1000 genomes and ExAC databases. The variant lies in the ligand-binding domain of nuclear hormone receptor domain of the AR protein and has previously been reported as p.Val866Met in patients affected with androgen insensitivity (Lubahn et al. 1989). The in silico prediction of the variant are probably damaging by PolyPhen-2 (HumDiv) and damaging by LRT. The reference codon is conserved across species. In summary, the variant meets our criteria to be classified as pathogenic.

Fulgent Genetics
Classification: Pathogenic for Familial prostate cancer; Androgen resistance syndrome; Hypospadias 1, X-linked; Partial androgen insensitivity syndrome; Kennedy disease. Last evaluated: 2018-10-31. Review status: criteria provided, single submitter. Criteria: ACMG Guidelines, 2015. Collection method: clinical testing. Allele origin: unknown.

Clinical Molecular Genetics Laboratory, Johns Hopkins All Children's Hospital
Classification: Pathogenic for Androgen resistance syndrome. Last evaluated: 2016-08-05. Review status: no assertion criteria provided. Collection method: clinical testing. Allele origin: germline. Affected: yes. Not counted in ClinVar's aggregate classification.

OMIM
Classification: Pathogenic for ANDROGEN INSENSITIVITY, COMPLETE. Last evaluated: 1989-12-01. Review status: no assertion criteria provided. Collection method: literature only. Allele origin: germline. Not counted in ClinVar's aggregate classification.

Literature cited by the submitters: PubMed 2594783 (cited by Labcorp Genetics (formerly Invitae), Labcorp and OMIM); PubMed 26688387 (cited by Labcorp Genetics (formerly Invitae), Labcorp); PubMed 26806084 (cited by Labcorp Genetics (formerly Invitae), Labcorp); PubMed 27583472 (cited by Labcorp Genetics (formerly Invitae), Labcorp).